The following is an entry in ClinVar:

ClinVar aggregate classification (germline): Benign/Likely benign. Review status: criteria provided, multiple submitters, no conflicts (2 of 4 stars). 7 submissions from 7 submitters: Benign (1); Likely benign (6). Last evaluated 2026-06-01.

Conditions:
Hereditary cancer-predisposing syndrome. Also called: Neoplastic Syndromes, Hereditary; Tumor predisposition; Hereditary Cancer Syndrome; Hereditary neoplastic syndrome. Identifiers: Orphanet 140162, MedGen C0027672, MeSH D009386, MONDO:0015356.
Cardiovascular phenotype. Identifiers: MedGen CN230736.

Allele frequency attached by ClinVar (database versions not stated): ESP Exome Variant Server 0.00008; gnomAD exomes 0.00010 and 0.00018; ExAC 0.00013; gnomAD 0.00016 and 0.00017; TOPMed 0.00019; 1000 Genomes Project 30x 0.00031.
gnomAD v4.1: 180 of 1,613,358 alleles (0.011%); highest among the groups gnomAD compares: Admixed American, 0.11%; no homozygotes.

Submissions (7):

CeGaT Center for Human Genetics Tuebingen
Classification: Likely benign. Last evaluated: 2026-06-01. Review status: criteria provided, single submitter. Criteria: CeGaT Center For Human Genetics Tuebingen Variant Classification Criteria Version 2. Collection method: clinical testing. Allele origin: germline. Affected: yes. Observed: 4 variant alleles.
Comment: LZTR1: BP4, BP7

Women's Health and Genetics/Laboratory Corporation of America, LabCorp
Classification: Likely benign. Last evaluated: 2026-03-23. Review status: criteria provided, single submitter. Criteria: LabCorp Variant Classification Summary - May 2015. Collection method: clinical testing. Allele origin: germline.

Labcorp Genetics (formerly Invitae), Labcorp
Classification: Likely benign. Last evaluated: 2026-01-29. Review status: criteria provided, single submitter. Criteria: Invitae Variant Classification Sherloc (09022015). Collection method: clinical testing. Allele origin: germline.

Mayo Clinic Laboratories, Mayo Clinic
Classification: Likely benign. Last evaluated: 2025-08-15. Review status: criteria provided, single submitter. Criteria: ACMG Guidelines, 2015. Collection method: clinical testing. Allele origin: germline. Observed: 2 variant alleles.
Comment: BS1, BP4, BP7

Blueprint Genetics
Classification: Likely benign. Last evaluated: 2024-09-06. Review status: criteria provided, single submitter. Criteria: ACMG Guidelines, 2015. Collection method: clinical testing. Allele origin: germline.

GeneDx
Classification: Likely benign. Last evaluated: 2021-05-05. Review status: criteria provided, single submitter. Criteria: GeneDx Variant Classification Process June 2021. Collection method: clinical testing. Allele origin: germline. Affected: yes.

Ambry Genetics
Classification: Benign for Cardiovascular phenotype; Hereditary cancer-predisposing syndrome. Last evaluated: 2020-09-02. Review status: criteria provided, single submitter. Criteria: Ambry Variant Classification Scheme 2023. Collection method: clinical testing. Allele origin: germline.

NM_006767.4(LZTR1):c.1329C>T (p.Cys443=)

Gene: LZTR1 (leucine zipper like post translational regulator 1; plus strand). Cytogenetic location: 22q11.21.
Variant type: single nucleotide variant.
Coding change: c.1329C>T on transcript NM_006767.4 (MANE Select); coding-DNA position 1329, C replaced by T.
Protein change: p.Cys443=; no amino-acid change (cysteine 443 retained).
Molecular consequence: synonymous variant.
Genome position (GRCh38, 1-based): chr22:20,993,730, C>T. VCF-style: chr22-20993730-C-T. GRCh37 (hg19) VCF-style: chr22-21348019-C-T.
Other names: p.Cys443=.
Identifiers: ClinVar variation 704454 (VCV000704454.22), dbSNP rs145473401, ClinGen allele CA10118814.